The following is an entry in ClinVar:

ClinVar aggregate classification (germline): Pathogenic. Review status: criteria provided, multiple submitters, no conflicts (2 of 4 stars). 2 submissions from 2 submitters: Pathogenic (2). Last evaluated 2024-03-13.

Conditions:
Chromosome 2q32-q33 deletion syndrome (GLASS). Also called: Glass syndrome; 2q33.1 deletion syndrome. Identifiers: Orphanet 251019, MedGen C2676739, MONDO:0012864, OMIM 612313.

Submissions (2):

GeneDx
Classification: Pathogenic. Last evaluated: 2024-03-13. Review status: criteria provided, single submitter. Criteria: GeneDx Variant Classification Process June 2021. Collection method: clinical testing. Allele origin: germline. Affected: yes.
Comment: Not observed at significant frequency in large population cohorts (gnomAD); In silico analysis supports that this missense variant does not alter protein structure/function; This variant is associated with the following publications: (PMID: 28135719, 25533962, 28191890, 31785789, 28151491, 29436146, 35982159, 33057194)

Labcorp Genetics (formerly Invitae), Labcorp
Classification: Pathogenic for Chromosome 2q32-q33 deletion syndrome. Last evaluated: 2022-03-18. Review status: criteria provided, single submitter. Criteria: Invitae Variant Classification Sherloc (09022015). Collection method: clinical testing. Allele origin: germline.
Comment: For these reasons, this variant has been classified as Pathogenic. Advanced modeling of protein sequence and biophysical properties (such as structural, functional, and spatial information, amino acid conservation, physicochemical variation, residue mobility, and thermodynamic stability) performed at Invitae indicates that this missense variant is expected to disrupt SATB2 protein function. This missense change has been observed in individual(s) with clinical features of SATB2-related disease (PMID: 28135719, 28151491, 29436146). In at least one individual the variant was observed to be de novo. This variant is not present in population databases (gnomAD no frequency). This sequence change replaces glutamic acid, which is acidic and polar, with lysine, which is basic and polar, at codon 402 of the SATB2 protein (p.Glu402Lys).

Literature cited by the submitters: PubMed 28135719 (cited by Labcorp Genetics (formerly Invitae), Labcorp); PubMed 28151491 (cited by Labcorp Genetics (formerly Invitae), Labcorp); PubMed 29436146 (cited by Labcorp Genetics (formerly Invitae), Labcorp).

NM_001172509.2(SATB2):c.1204G>A (p.Glu402Lys)

Gene: SATB2 (SATB homeobox 2; minus strand). Cytogenetic location: 2q33.1.
Variant type: single nucleotide variant.
Coding change: c.1204G>A on transcript NM_001172509.2 (MANE Select); coding-DNA position 1204, G replaced by A.
Protein change: p.Glu402Lys; replaces glutamic acid 402 with lysine.
Molecular consequence: missense variant.
Genome position (GRCh38, 1-based): chr2:199,328,880, C>T on the plus strand (G>A on the coding strand, the complement: SATB2 is on the minus strand). VCF-style: chr2-199328880-C-T. GRCh37 (hg19) VCF-style: chr2-200193603-C-T.
Other names: c.1204G>A, p.Glu402Lys (NM_001172517.1, NM_015265.4); c.1204G>A (NM_015265.3); short protein forms E402K.
Identifiers: ClinVar variation 2203243 (VCV002203243.5), dbSNP rs2468868479, ClinGen allele CA350386528.
Genomic context (GRCh38, chr2:199,328,880, plus strand): 5'-GGAAATTCTGCATGGCCCTCAGGTTTACTAGAAGAGACTGAGAGGCTGTCCGAGGGTCTT[C>T]TTCCTTACGCAGAATCTCAGACAACAATCCCTGATTAAATGGGGGAAAAAAACAGACCAA-3'
Protein context (NP_001165980.1, residues 392-412): GLLSEILRKE[Glu402Lys]DPRTASQSLL